The following is an entry in ClinVar:

ClinVar aggregate classification (germline): Uncertain significance (1 of 4 stars; one submission).

Conditions:
Eichsfeld type congenital muscular dystrophy (CMYO3). Also called: Rigid spine muscular dystrophy 1; MYOPATHY, SEPN1-RELATED; SELENON-related myopathy; Congenital myopathy 3 with rigid spine. Identifiers: MedGen C0410180, MONDO:0100100, OMIM 602771.

Allele frequency attached by ClinVar (database versions not stated): TOPMed 0.00001; gnomAD exomes 0.00004; gnomAD 0.00007; ExAC 0.00011.
gnomAD v4.1: 70 of 1,613,494 alleles (0.0043%); highest among the groups gnomAD compares: African/African-American, 0.0027%; no homozygotes.

Submission:

Labcorp Genetics (formerly Invitae), Labcorp
Classification: Uncertain significance for Eichsfeld type congenital muscular dystrophy. Last evaluated: 2022-07-14. Review status: criteria provided, single submitter. Criteria: Invitae Variant Classification Sherloc (09022015). Collection method: clinical testing. Allele origin: germline.
Comment: This variant is present in population databases (rs773737504, gnomAD 0.1%). This variant has not been reported in the literature in individuals affected with SELENON-related conditions. Algorithms developed to predict the effect of missense changes on protein structure and function are either unavailable or do not agree on the potential impact of this missense change (SIFT: "Deleterious"; PolyPhen-2: "Probably Damaging"; Align-GVGD: "Class C0"). In summary, the available evidence is currently insufficient to determine the role of this variant in disease. Therefore, it has been classified as a Variant of Uncertain Significance. This sequence change replaces leucine, which is neutral and non-polar, with proline, which is neutral and non-polar, at codon 452 of the SELENON protein (p.Leu452Pro).

NM_206926.2(SELENON):c.1253T>C (p.Leu418Pro)

Gene: SELENON (selenoprotein N; plus strand). Cytogenetic location: 1p36.11.
Variant type: single nucleotide variant.
Coding change: c.1253T>C on transcript NM_206926.2 (MANE Select); coding-DNA position 1253, T replaced by C.
Protein change: p.Leu418Pro; replaces leucine 418 with proline.
Molecular consequence: missense variant.
Genome position (GRCh38, 1-based): chr1:25,812,760, T>C. VCF-style: chr1-25812760-T-C. GRCh37 (hg19) VCF-style: chr1-26139251-T-C.
Other names: c.1355T>C, p.Leu452Pro (NM_020451.3); short protein forms L418P, L452P.
Identifiers: ClinVar variation 2063056 (VCV002063056.4), dbSNP rs773737504, ClinGen allele CA696836.